The following is an entry in ClinVar:

ClinVar aggregate classification (germline): Likely benign. Review status: criteria provided, multiple submitters, no conflicts (2 of 4 stars). 3 submissions from 3 submitters: Likely benign (3). Last evaluated 2025-12-31.

Conditions:
Gorlin syndrome. Also called: Nevoid Basal Cell Carcinoma Syndrome; Basal cell nevus syndrome. Identifiers: Orphanet 377, MedGen C0004779, MONDO:0007187.
Medulloblastoma (MDB). Also called: MEDULLOBLASTOMA PREDISPOSITION SYNDROME; Medulloblastoma, somatic. Identifiers: Orphanet 616, MedGen C0025149, MeSH D008527, MONDO:0007959, OMIM 155255, HP:0002885.
Hereditary cancer-predisposing syndrome. Also called: Tumor predisposition; Hereditary neoplastic syndrome; Neoplastic Syndromes, Hereditary; Hereditary Cancer Syndrome. Identifiers: Orphanet 140162, MedGen C0027672, MeSH D009386, MONDO:0015356.

Allele frequency attached by ClinVar (database versions not stated): gnomAD exomes 0.00001; TOPMed 0.00001.
gnomAD v4.1: 13 of 1,614,144 alleles (0.00081%); highest among the groups gnomAD compares: East Asian, 0.0022%; no homozygotes.

Submissions (3):

Labcorp Genetics (formerly Invitae), Labcorp
Classification: Likely benign for Gorlin syndrome; Medulloblastoma. Last evaluated: 2025-12-31. Review status: criteria provided, single submitter. Criteria: Invitae Variant Classification Sherloc (09022015). Collection method: clinical testing. Allele origin: germline.

CeGaT Center for Human Genetics Tuebingen
Classification: Likely benign. Last evaluated: 2025-08-01. Review status: criteria provided, single submitter. Criteria: CeGaT Center For Human Genetics Tuebingen Variant Classification Criteria Version 2. Collection method: clinical testing. Allele origin: germline. Affected: yes. Observed: 1 variant allele.
Comment: SUFU: BP4, BP7

Ambry Genetics
Classification: Likely benign for Hereditary cancer-predisposing syndrome. Last evaluated: 2019-09-30. Review status: criteria provided, single submitter. Criteria: Ambry Variant Classification Scheme 2023. Collection method: clinical testing. Allele origin: germline.

NM_016169.4(SUFU):c.1089G>A (p.Thr363=)

Gene: SUFU (SUFU negative regulator of hedgehog signaling; plus strand). Cytogenetic location: 10q24.32.
Variant type: single nucleotide variant.
Coding change: c.1089G>A on transcript NM_016169.4 (MANE Select); coding-DNA position 1089, G replaced by A.
Protein change: p.Thr363=; no amino-acid change (threonine 363 retained).
Molecular consequence: synonymous variant.
Genome position (GRCh38, 1-based): chr10:102,615,334, G>A. VCF-style: chr10-102615334-G-A. GRCh37 (hg19) VCF-style: chr10-104375091-G-A.
Other names: c.1089G>A, p.Thr363= (NM_001178133.2).
Identifiers: ClinVar variation 818356 (VCV000818356.20), dbSNP rs1438357532, ClinGen allele CA471286334.
Genomic context (GRCh38, chr10:102,615,334, plus strand): 5'-CAAAGACAGCCTGGAAAGTGACAGCTCCACGGCCATCATTCCCCATGAGCTGATTCGCAC[G>A]CGGCAGCTTGAGAGCGTACATCTGAAATTCAACCAGGAGTCCGGAGCCCTCATTCCTCTC-3'
Protein context (NP_057253.2, residues 353-373): TAIIPHELIR[Thr363=]RQLESVHLKF